The following is an entry in ClinVar:

NM_001270.4(CHD1):c.2501T>C (p.Leu834Ser)

Gene: CHD1 (chromodomain helicase DNA binding protein 1; minus strand). Cytogenetic location: 5q15.
Variant type: single nucleotide variant.
Coding change: c.2501T>C on transcript NM_001270.4 (MANE Select); coding-DNA position 2501, T replaced by C.
Protein change: p.Leu834Ser; replaces leucine 834 with serine.
Molecular consequence: missense variant. On other transcripts: non-coding transcript variant (2).
Genome position (GRCh38, 1-based): chr5:98,885,645, A>G on the plus strand (T>C on the coding strand, the complement: CHD1 is on the minus strand). VCF-style: chr5-98885645-A-G. GRCh37 (hg19) VCF-style: chr5-98221349-A-G.
Other names: c.2501T>C, p.Leu834Ser (NM_001364113.3, NM_001376194.2); short protein forms L834S.
Identifiers: ClinVar variation 3381554 (VCV003381554.1).

ClinVar aggregate classification (germline): Uncertain significance (1 of 4 stars; one submission).

Submission:

GeneDx
Classification: Uncertain significance. Last evaluated: 2024-05-17. Review status: criteria provided, single submitter. Criteria: GeneDx Variant Classification Process June 2021. Collection method: clinical testing. Allele origin: germline. Affected: yes.
Comment: Not observed at significant frequency in large population cohorts (gnomAD); In silico analysis supports that this missense variant has a deleterious effect on protein structure/function; Has not been previously published as pathogenic or benign to our knowledge